The following is an entry in ClinVar:

ClinVar aggregate classification (germline): Uncertain significance (1 of 4 stars; one submission).

Conditions:
Intellectual developmental disorder, autosomal dominant 1. Also called: Intellectual disability, autosomal dominant 1; MBD5 Haploinsufficiency. Identifiers: Orphanet 228402, MedGen C1969562, MONDO:0007974, OMIM 156200.

Submission:

Labcorp Genetics (formerly Invitae), Labcorp
Classification: Uncertain significance for Mental retardation, autosomal dominant 1. Last evaluated: 2018-07-13. Review status: criteria provided, single submitter. Criteria: Invitae Variant Classification Sherloc (09022015). Collection method: clinical testing. Allele origin: germline.
Comment: This sequence change replaces lysine with glutamic acid at codon 1270 of the MBD5 protein (p.Lys1270Glu). The lysine residue is highly conserved and there is a small physicochemical difference between lysine and glutamic acid. This variant is not present in population databases (ExAC no frequency). This variant has not been reported in the literature in individuals with MBD5-related disease. Algorithms developed to predict the effect of missense changes on protein structure and function are either unavailable or do not agree on the potential impact of this missense change (SIFT: "Deleterious"; PolyPhen-2: "Benign"; Align-GVGD: "Class C55"). In summary, the available evidence is currently insufficient to determine the role of this variant in disease. Therefore, it has been classified as a Variant of Uncertain Significance.

NM_001378120.1(MBD5):c.4507A>G (p.Lys1503Glu)

Gene: MBD5 (methyl-CpG binding domain protein 5; plus strand). Cytogenetic location: 2q23.1.
Variant type: single nucleotide variant.
Coding change: c.4507A>G on transcript NM_001378120.1 (MANE Select); coding-DNA position 4507, A replaced by G.
Protein change: p.Lys1503Glu; replaces lysine 1503 with glutamic acid.
Molecular consequence: missense variant.
Genome position (GRCh38, 1-based): chr2:148,490,139, A>G. VCF-style: chr2-148490139-A-G. GRCh37 (hg19) VCF-style: chr2-149247708-A-G.
Other names: c.3808A>G, p.Lys1270Glu (NM_018328.5); short protein forms K1270E, K1503E.
Identifiers: ClinVar variation 644874 (VCV000644874.1), dbSNP rs1574485440, ClinGen allele CA348729413.